The following is an entry in ClinVar:

NM_002764.4(PRPS1):c.704+6del

Gene: PRPS1 (phosphoribosyl pyrophosphate synthetase 1; plus strand). Cytogenetic location: Xq22.3.
Variant type: Deletion.
Coding change: c.704+6del on transcript NM_002764.4 (MANE Select); 6 bases into the intron after coding-DNA position 704, one base deleted (T; older notation c.704+6delT).
Molecular consequence: intron variant.
Genome position (GRCh38, 1-based): chrX:107,645,356, T deleted. VCF-style (leftmost placement, unchanged base first): chrX-107645355-GT-G. GRCh37 (hg19) VCF-style: chrX-106888585-GT-G.
Other names: c.92+6del (NM_001204402.2).
Identifiers: ClinVar variation 3645792 (VCV003645792.2).

ClinVar aggregate classification (germline): Uncertain significance (1 of 4 stars; one submission).

Conditions:
Charcot-Marie-Tooth Neuropathy X. Identifiers: MedGen CN118851.

Submission:

Labcorp Genetics (formerly Invitae), Labcorp
Classification: Uncertain significance for Charcot-Marie-Tooth Neuropathy X. Last evaluated: 2024-03-19. Review status: criteria provided, single submitter. Criteria: Invitae Variant Classification Sherloc (09022015). Collection method: clinical testing. Allele origin: germline.
Comment: This sequence change falls in intron 5 of the PRPS1 gene. It does not directly change the encoded amino acid sequence of the PRPS1 protein. It affects a nucleotide within the consensus splice site. This variant is not present in population databases (gnomAD no frequency). This variant has not been reported in the literature in individuals affected with PRPS1-related conditions. Variants that disrupt the consensus splice site are a relatively common cause of aberrant splicing (PMID: 17576681, 9536098). Algorithms developed to predict the effect of sequence changes on RNA splicing suggest that this variant is not likely to affect RNA splicing. In summary, the available evidence is currently insufficient to determine the role of this variant in disease. Therefore, it has been classified as a Variant of Uncertain Significance.

Literature cited by the submitters: PubMed 17576681; PubMed 9536098.